The following is an entry in ClinVar:

ClinVar aggregate classification (germline): Uncertain significance (1 of 4 stars; one submission).

Conditions:
Rhabdoid tumor predisposition syndrome 2 (RTPS2). Identifiers: Orphanet 231108, Orphanet 69077, MedGen C2750074, MONDO:0013224, OMIM 613325.

Submission:

Labcorp Genetics (formerly Invitae), Labcorp
Classification: Uncertain significance for Rhabdoid tumor predisposition syndrome 2. Last evaluated: 2017-01-06. Review status: criteria provided, single submitter. Criteria: Invitae Variant Classification Sherloc (09022015). Collection method: clinical testing. Allele origin: germline.
Comment: This variant is a gross deletion of the genomic region encompassing exon 30 of the SMARCA4 gene. This is predicted to lead to an in-frame deletion of 96 nucleotides encoding 32 amino acid residues, preserving the integrity of the reading frame. This gross deletion has not been reported in the literature in individuals with a SMARCA4-related disease. Tissue-specific transcript isoforms that include or skip exon 30 (also referred as exon 28B) have been described in the literature (PMID: 18437052). The clinical significance of this deletion is not fully understood. In summary, this variant is an in-frame deletion of exon 30 with uncertain impact on protein function. It has been classified as a Variant of Uncertain Significance.

NC_000019.10:g.(?_11039458)_(11039553_?)del

Gene: SMARCA4 (SWI/SNF related BAF chromatin remodeling complex subunit ATPase 4; plus strand). Cytogenetic location: 19p13.2.
Variant type: Deletion.
Identifiers: ClinVar variation 417446 (VCV000417446.1).